The following is an entry in ClinVar:

ClinVar aggregate classification (germline): Uncertain significance (1 of 4 stars; one submission).

Conditions:
Hearing loss, autosomal dominant 76. Also called: DEAFNESS, AUTOSOMAL DOMINANT 76. Identifiers: MedGen C5394080, MONDO:0032917, OMIM 618787.

Allele frequency attached by ClinVar (database versions not stated): TOPMed 0.00001.

Submission:

3billion
Classification: Uncertain significance for Hearing loss, autosomal dominant 76. Last evaluated: 2022-01-03. Review status: criteria provided, single submitter. Criteria: ACMG Guidelines, 2015. Collection method: clinical testing. Allele origin: germline. Affected: yes. Observed: 1 heterozygote.
Comment: The variant is not observed in the gnomAD v2.1.1 dataset (PM2_M). In silico tool predictions suggest damaging effect of the variant on gene or gene product (REVEL: 0.951, 3CNET: 0.761, PP3_P). A missense variant is a common mechanism associated with Deafness (PP2_P). Therefore, this variant is classified as uncertain significance according to the recommendation of ACMG/AMP guideline.

NM_001145319.2(PLS1):c.1658T>A (p.Val553Asp)

Gene: PLS1 (plastin 1; plus strand). Cytogenetic location: 3q23.
Variant type: single nucleotide variant.
Coding change: c.1658T>A on transcript NM_001145319.2 (MANE Select); coding-DNA position 1658, T replaced by A.
Protein change: p.Val553Asp; replaces valine 553 with aspartic acid.
Molecular consequence: missense variant.
Genome position (GRCh38, 1-based): chr3:142,711,529, T>A. VCF-style: chr3-142711529-T-A. GRCh37 (hg19) VCF-style: chr3-142430371-T-A.
Other names: c.1658T>A, p.Val553Asp (NM_001172312.2, NM_002670.3); short protein forms V553D.
Identifiers: ClinVar variation 1333450 (VCV001333450.1), dbSNP rs1283780796, ClinGen allele CA354824212.